The following is an entry in ClinVar:

NM_001999.4(FBN2):c.6655A>T (p.Ile2219Phe)

Gene: FBN2 (fibrillin 2; minus strand). Cytogenetic location: 5q23.3.
Variant type: single nucleotide variant.
Coding change: c.6655A>T on transcript NM_001999.4 (MANE Select); coding-DNA position 6655, A replaced by T.
Protein change: p.Ile2219Phe; replaces isoleucine 2219 with phenylalanine.
Molecular consequence: missense variant.
Genome position (GRCh38, 1-based): chr5:128,288,540, T>A on the plus strand (A>T on the coding strand, the complement: FBN2 is on the minus strand). VCF-style: chr5-128288540-T-A. GRCh37 (hg19) VCF-style: chr5-127624232-T-A.
Other names: short protein forms I2219F.
Identifiers: ClinVar variation 4743916 (VCV004743916.1).

ClinVar aggregate classification (germline): Uncertain significance (1 of 4 stars; one submission).

Conditions:
Congenital contractural arachnodactyly (CCA). Also called: BEALS SYNDROME; Arthrogryposis, distal, type 9; Beals-Hecht syndrome. Identifiers: Orphanet 115, MedGen C0220668, MONDO:0007363, OMIM 121050.

gnomAD v4.1: 1 of 1,613,786 alleles (0.000062%); highest among the groups gnomAD compares: African/African-American, 0.0013%; no homozygotes.

Submission:

Labcorp Genetics (formerly Invitae), Labcorp
Classification: Uncertain significance for Congenital contractural arachnodactyly. Last evaluated: 2026-01-12. Review status: criteria provided, single submitter. Criteria: Invitae Variant Classification Sherloc (09022015). Collection method: clinical testing. Allele origin: germline.
Comment: This sequence change replaces isoleucine, which is neutral and non-polar, with phenylalanine, which is neutral and non-polar, at codon 2219 of the FBN2 protein (p.Ile2219Phe). This variant is not present in population databases (gnomAD no frequency). This variant has not been reported in the literature in individuals affected with FBN2-related conditions. Invitae Evidence Modeling of protein sequence and biophysical properties (such as structural, functional, and spatial information, amino acid conservation, physicochemical variation, residue mobility, and thermodynamic stability) indicates that this missense variant is not expected to disrupt FBN2 protein function with a negative predictive value of 80%. In summary, the available evidence is currently insufficient to determine the role of this variant in disease. Therefore, it has been classified as a Variant of Uncertain Significance.